The following is an entry in ClinVar:

NM_080680.3(COL11A2):c.1960C>T (p.Pro654Ser)

Gene: COL11A2 (collagen type XI alpha 2 chain; minus strand). Cytogenetic location: 6p21.32.
Variant type: single nucleotide variant.
Coding change: c.1960C>T on transcript NM_080680.3 (MANE Select); coding-DNA position 1960, C replaced by T.
Protein change: p.Pro654Ser; replaces proline 654 with serine.
Molecular consequence: missense variant.
Genome position (GRCh38, 1-based): chr6:33,177,423, G>A on the plus strand (C>T on the coding strand, the complement: COL11A2 is on the minus strand). VCF-style: chr6-33177423-G-A. GRCh37 (hg19) VCF-style: chr6-33145200-G-A.
Other names: c.1639C>T, p.Pro547Ser (NM_080679.3); c.1702C>T, p.Pro568Ser (NM_080681.3); short protein forms P547S, P568S, P654S.
Identifiers: ClinVar variation 1998038 (VCV001998038.4), dbSNP rs2535144384, ClinGen allele CA363654305.

ClinVar aggregate classification (germline): Uncertain significance (1 of 4 stars; one submission).

gnomAD v4.1: 2 of 1,612,910 alleles (0.00012%); highest among the groups gnomAD compares: Non-Finnish European, 0.00017%; no homozygotes.

Submission:

Labcorp Genetics (formerly Invitae), Labcorp
Classification: Uncertain significance. Last evaluated: 2022-07-22. Review status: criteria provided, single submitter. Criteria: Invitae Variant Classification Sherloc (09022015). Collection method: clinical testing. Allele origin: germline.
Comment: This variant has not been reported in the literature in individuals affected with COL11A2-related conditions. In summary, the available evidence is currently insufficient to determine the role of this variant in disease. Therefore, it has been classified as a Variant of Uncertain Significance. Advanced modeling of protein sequence and biophysical properties (such as structural, functional, and spatial information, amino acid conservation, physicochemical variation, residue mobility, and thermodynamic stability) performed at Invitae indicates that this missense variant is not expected to disrupt COL11A2 protein function. This variant is not present in population databases (gnomAD no frequency). This sequence change replaces proline, which is neutral and non-polar, with serine, which is neutral and polar, at codon 654 of the COL11A2 protein (p.Pro654Ser).